The following is an entry in ClinVar:

ClinVar aggregate classification (germline): Uncertain significance (1 of 4 stars; one submission).

Conditions:
Dystonic disorder. Also called: Dystonia. Identifiers: MedGen C0013421, MONDO:0003441, HP:0001332.

Submission:

Labcorp Genetics (formerly Invitae), Labcorp
Classification: Uncertain significance for Dystonic disorder. Last evaluated: 2022-11-03. Review status: criteria provided, single submitter. Criteria: Invitae Variant Classification Sherloc (09022015). Collection method: clinical testing. Allele origin: germline.
Comment: In summary, the available evidence is currently insufficient to determine the role of this variant in disease. Therefore, it has been classified as a Variant of Uncertain Significance. Algorithms developed to predict the effect of missense changes on protein structure and function are either unavailable or do not agree on the potential impact of this missense change (SIFT: "Tolerated"; PolyPhen-2: "Probably Damaging"; Align-GVGD: "Class C0"). This variant has not been reported in the literature in individuals affected with ANO3-related conditions. This variant is not present in population databases (gnomAD no frequency). This sequence change replaces leucine, which is neutral and non-polar, with glutamine, which is neutral and polar, at codon 273 of the ANO3 protein (p.Leu273Gln).

NM_031418.4(ANO3):c.818T>A (p.Leu273Gln)

Gene: ANO3 (anoctamin 3; plus strand). Cytogenetic location: 11p14.2.
Variant type: single nucleotide variant.
Coding change: c.818T>A on transcript NM_031418.4 (MANE Select); coding-DNA position 818, T replaced by A.
Protein change: p.Leu273Gln; replaces leucine 273 with glutamine.
Molecular consequence: missense variant.
Genome position (GRCh38, 1-based): chr11:26,531,285, T>A. VCF-style: chr11-26531285-T-A. GRCh37 (hg19) VCF-style: chr11-26552832-T-A.
Other names: c.1001T>A, p.Leu334Gln (NM_001313726.2); c.380T>A, p.Leu127Gln (NM_001313727.2); short protein forms L334Q, L127Q, L273Q.
Identifiers: ClinVar variation 2811779 (VCV002811779.3), dbSNP rs751796183, ClinGen allele CA379930087.